The following is an entry in ClinVar:

ClinVar aggregate classification (germline): Pathogenic (1 of 4 stars; one submission).

Conditions:
Hereditary nonpolyposis colorectal neoplasms. Identifiers: MedGen C0009405, MeSH D003123.

Submission:

Labcorp Genetics (formerly Invitae), Labcorp
Classification: Pathogenic for Hereditary nonpolyposis colorectal neoplasms. Last evaluated: 2024-12-31. Review status: criteria provided, single submitter. Criteria: Invitae Variant Classification Sherloc (09022015). Collection method: clinical testing. Allele origin: germline.
Comment: This sequence change creates a premature translational stop signal (p.Ser358Phefs*6) in the PMS2 gene. It is expected to result in an absent or disrupted protein product. Loss-of-function variants in PMS2 are known to be pathogenic (PMID: 21376568, 24362816). This variant is not present in population databases (gnomAD no frequency). This variant has not been reported in the literature in individuals affected with PMS2-related conditions. For these reasons, this variant has been classified as Pathogenic.

Literature cited by the submitters: PubMed 21376568; PubMed 24362816.

NM_000535.7(PMS2):c.1073_1074del (p.Ser358fs)

Gene: PMS2 (PMS1 homolog 2, mismatch repair system component; minus strand). Cytogenetic location: 7p22.1.
Variant type: Microsatellite.
Coding change: c.1073_1074del on transcript NM_000535.7 (MANE Select); coding-DNA positions 1073 to 1074, 2 bases deleted (CT; older notation c.1073_1074delCT).
Protein change: p.Ser358fs; shifts the reading frame from serine 358.
Molecular consequence: frameshift variant. On other transcripts: non-coding transcript variant (1), intron variant (10).
Genome position (GRCh38, 1-based): chr7:5,989,870-5,989,871, AG deleted on the plus strand (CT on the coding strand, the reverse complement: PMS2 is on the minus strand); deleting any 2 consecutive bases within chr7:5,989,870-5,989,873 gives the same sequence; the c. name uses the placement nearest the transcript's 3' end. VCF-style (leftmost placement, unchanged base first): chr7-5989869-AAG-A. GRCh37 (hg19) VCF-style: chr7-6029500-AAG-A.
Other names: c.875_876del, p.Ser292fs (NM_001406873.1); c.905_906del, p.Ser302fs (NM_001406874.1); c.764_765del, p.Ser255fs (NM_001406875.1, NM_001406877.1, NM_001406878.1 and 5 more transcripts); c.755_756del, p.Ser252fs (NM_001406876.1, NM_001406883.1, NM_001406903.1 and 2 more transcripts); c.737_738del, p.Ser246fs (NM_001406885.1); c.707_708del, p.Ser236fs (NM_001406886.1); c.668_669del, p.Ser223fs (NM_001406887.1, NM_001406888.1, NM_001406889.1 and 16 more transcripts); c.560_561del, p.Ser187fs (NM_001406904.1, NM_001406905.1); and 13 more; short protein forms S101fs, S167fs, S187fs, S223fs, S236fs, S246fs, S252fs, S255fs.
Identifiers: ClinVar variation 3609972 (VCV003609972.2).
Genomic context (GRCh38, chr7:5,989,869, plus strand): 5'-CCAGCAGTGGCTGCTGACTGACATTTAGCTTGTTGACATCACTATCAAACATTCCTATCA[AAG>A]AGGTCTTTAAAACTGCCAACAAAAGCTTTTCCTCTTGTAGCAAAATTTGCCTTTTATCTG-3'